The following is an entry in ClinVar:

ClinVar aggregate classification (germline): Uncertain significance (1 of 4 stars; one submission).

Conditions:
RASopathy. Also called: rasopathies; Noonan spectrum disorder. Identifiers: Orphanet 536391, MedGen C5555857, MONDO:0021060.

Allele frequency attached by ClinVar (database versions not stated): TOPMed 0.00001.
gnomAD v4.1: 4 of 1,613,972 alleles (0.00025%); highest among the groups gnomAD compares: Non-Finnish European, 0.00025%; no homozygotes.

Submission:

Labcorp Genetics (formerly Invitae), Labcorp
Classification: Uncertain significance for RASopathy. Last evaluated: 2024-01-10. Review status: criteria provided, single submitter. Criteria: Invitae Variant Classification Sherloc (09022015). Collection method: clinical testing. Allele origin: germline.
Comment: This sequence change replaces proline, which is neutral and non-polar, with arginine, which is basic and polar, at codon 1255 of the SOS1 protein (p.Pro1255Arg). This variant is not present in population databases (gnomAD no frequency). This variant has not been reported in the literature in individuals affected with SOS1-related conditions. ClinVar contains an entry for this variant (Variation ID: 1415313). Advanced modeling of protein sequence and biophysical properties (such as structural, functional, and spatial information, amino acid conservation, physicochemical variation, residue mobility, and thermodynamic stability) performed at Invitae indicates that this missense variant is not expected to disrupt SOS1 protein function with a negative predictive value of 95%. In summary, the available evidence is currently insufficient to determine the role of this variant in disease. Therefore, it has been classified as a Variant of Uncertain Significance.

NM_005633.4(SOS1):c.3764C>G (p.Pro1255Arg)

Gene: SOS1 (SOS Ras/Rac guanine nucleotide exchange factor 1; minus strand). Cytogenetic location: 2p22.1.
Variant type: single nucleotide variant.
Coding change: c.3764C>G on transcript NM_005633.4 (MANE Select); coding-DNA position 3764, C replaced by G.
Protein change: p.Pro1255Arg; replaces proline 1255 with arginine.
Molecular consequence: missense variant.
Genome position (GRCh38, 1-based): chr2:38,986,062, G>C on the plus strand (C>G on the coding strand, the complement: SOS1 is on the minus strand). VCF-style: chr2-38986062-G-C. GRCh37 (hg19) VCF-style: chr2-39213203-G-C.
Other names: c.3743C>G, p.Pro1248Arg (NM_001382394.1); c.3719C>G, p.Pro1240Arg (NM_001382395.1); short protein forms P1248R, P1255R, P1240R.
Identifiers: ClinVar variation 1415313 (VCV001415313.8), dbSNP rs1376446157, ClinGen allele CA346362361.